The following is an entry in ClinVar:

NM_000322.5(PRPH2):c.646C>T (p.Pro216Ser)

Gene: PRPH2 (peripherin 2; minus strand). Cytogenetic location: 6p21.1.
Variant type: single nucleotide variant.
Coding change: c.646C>T on transcript NM_000322.5 (MANE Select); coding-DNA position 646, C replaced by T.
Protein change: p.Pro216Ser; replaces proline 216 with serine.
Molecular consequence: missense variant.
Genome position (GRCh38, 1-based): chr6:42,704,547, G>A on the plus strand (C>T on the coding strand, the complement: PRPH2 is on the minus strand). VCF-style: chr6-42704547-G-A. GRCh37 (hg19) VCF-style: chr6-42672285-G-A.
Other names: short protein forms P216S.
Identifiers: ClinVar variation 98695 (VCV000098695.22), dbSNP rs61755805, ClinGen allele CA226283.

ClinVar aggregate classification (germline): Pathogenic/Likely pathogenic. Review status: criteria provided, multiple submitters, no conflicts (2 of 4 stars). 13 submissions from 13 submitters: Pathogenic (5); Likely pathogenic (3). 5 of the submissions do not count toward it. Last evaluated 2026-05-07.

Conditions:
PRPH2-related disorder. Also called: PRPH2-related condition; PRPH2-related disorders. Identifiers: MedGen CN239395.
Retinal dystrophy. Also called: Inherited retinal dystrophy. Identifiers: Orphanet 71862, MedGen C0854723, MeSH D058499, MONDO:0019118, HP:0000556.
Retinitis pigmentosa (RP). Identifiers: Orphanet 791, MedGen C0035334, MeSH D012174, MONDO:0019200, OMIM 268000. Inheritance: Autosomal dominant, autosomal recessive and X linked inheritance.
Retinitis pigmentosa 7 (RP7). Identifiers: Orphanet 791, MedGen C1842475, MONDO:0011974, OMIM 608133.
Retinal disorder. Also called: Retinopathies; Retinal Diseases; Retinal disorders; Retinopathy. Identifiers: MedGen C0035309, MONDO:0005283, HP:0000488.

Submissions (13):

Institute for Clinical Genetics, University Hospital TU Dresden, University Hospital TU Dresden
Classification: Likely pathogenic for Retinitis pigmentosa 7. Last evaluated: 2026-05-07. Review status: criteria provided, single submitter. Criteria: ACMG Guidelines, 2015. Collection method: clinical testing. Allele origin: germline. Affected: yes.
Comment: The missense variant in the PRPH2 gene (NM_000322.5:c.646C>T, p.(Pro216Ser)) results in an amino acid substitution in the corresponding protein. Empirically, the gene shows no significant intolerance to genetic variation (Z-score <3.10, PMID: 27535533). The variant is located in the functionally critical intradiscal side of the tetraspanin domain, where pathogenic missense variants are enriched (PMID: 32531846). Bioinformatic protein effect prediction assesses the variant’s pathogenicity as low probability (REVEL score 0.68, PMID: 27666373); an actual effect has not yet been functionally investigated. This variant has been classified as (likely) pathogenic 6 times in the ClinVar database to date. The variant has been reported in the literature in at least 10 individuals with PRPH2-associated disease and segregated with the phenotype across numerous meioses in at least 6 families (PMIDs: 33736480, 8058286, 7754251, 28559085, 32531846). The ClinVar database lists three additional variants as (likely) pathogenic that result in an alternative substitution at the same amino acid position with a comparable bioinformatic effect prediction (p.(Pro216Arg), p.(Pro216Leu), p.(Pro216Ala)). The variant is not listed in the gnomAD v4.1.0 population database. According to current ACMG recommendations for variant assessment (PMID 25741868), the criteria PS4_MOD, PM1, PM2_SUP, PM5, PP1, and PP3 are met, resulting in a classification as a likely pathogenic variant (ACMG Class 4).

Labcorp Genetics (formerly Invitae), Labcorp
Classification: Pathogenic for PRPH2-related disorder. Last evaluated: 2025-11-09. Review status: criteria provided, single submitter. Criteria: Invitae Variant Classification Sherloc (09022015). Collection method: clinical testing. Allele origin: germline.
Comment: This sequence change replaces proline, which is neutral and non-polar, with serine, which is neutral and polar, at codon 216 of the PRPH2 protein (p.Pro216Ser). This variant is not present in population databases (gnomAD no frequency). This missense change has been observed in individual(s) with autosomal dominant retinitis pigmentosa (PMID: 7754251, 8058286, 28559085). It has also been observed to segregate with disease in related individuals. ClinVar contains an entry for this variant (Variation ID: 98695). Invitae Evidence Modeling of protein sequence and biophysical properties (such as structural, functional, and spatial information, amino acid conservation, physicochemical variation, residue mobility, and thermodynamic stability) indicates that this missense variant is expected to disrupt PRPH2 protein function with a positive predictive value of 95%. This variant disrupts the p.Pro216 amino acid residue in PRPH2. Other variant(s) that disrupt this residue have been determined to be pathogenic (PMID: 1684223, 12925772, 28076437). This suggests that this residue is clinically significant, and that variants that disrupt this residue are likely to be disease-causing. For these reasons, this variant has been classified as Pathogenic.

Genetics Laboratory, Great Ormond Street Hospital NHS Foundation Trust, North Thames Genomic Laboratory Hub
Classification: Pathogenic for Retinal disorders. Last evaluated: 2025-08-20. Review status: criteria provided, single submitter. Criteria: ACGS Best Practice Guidelines for Variant Classification in Rare Disease 2024 v1.2. Collection method: clinical testing. Allele origin: germline. Affected: yes.
Comment: PS4_moderate, PM2_moderate, PM5_moderate, PP1_strong

3billion
Classification: Likely pathogenic for PRPH2-related disorder. Last evaluated: 2024-09-04. Review status: criteria provided, single submitter. Criteria: ACMG Guidelines, 2015. Collection method: clinical testing. Allele origin: germline. Affected: yes.
Comment: The variant is not observed in the gnomAD v4.0.0 dataset. Predicted Consequence/Location: Missense variant In silico tool predictions suggest damaging effect of the variant on gene or gene product [REVEL: 0.68 (>=0.6, sensitivity 0.68 and specificity 0.92); 3Cnet: 0.96 (>=0.6, sensitivity 0.72 and precision 0.9)]. The same nucleotide change resulting in the same amino acid change has been previously reported as pathogenic/likely pathogenic with strong evidence (ClinVar ID: VCV000098695 /PMID: 8058286). Different missense changes at the same codon (p.Pro216Ala, p.Pro216Arg, p.Pro216His, p.Pro216Leu) have been reported as pathogenic/likely pathogenic with strong evidence (ClinVar ID: VCV000013164, VCV000844144, VCV001073211 /PMID: 1684223, 19038374, 34327195). Therefore, this variant is classified as Likely pathogenic according to the recommendation of ACMG/AMP guideline.

Blueprint Genetics
Classification: Pathogenic for PRPH2-related disorders. Last evaluated: 2022-11-03. Review status: criteria provided, single submitter. Criteria: ACMG Guidelines, 2015. Collection method: clinical testing. Allele origin: germline. Affected: yes. Observed: 5 variant alleles.

Institute of Medical Genetics and Applied Genomics, University Hospital Tübingen
Classification: Pathogenic. Last evaluated: 2020-10-23. Review status: criteria provided, single submitter. Criteria: ACMG Guidelines, 2015. Collection method: clinical testing. Allele origin: germline. Inheritance: Autosomal unknown. Affected: yes.

NEI Ophthalmic Genomics Laboratory, National Institutes of Health
Classification: Likely pathogenic for Retinitis pigmentosa. Last evaluated: 2020-01-07. Review status: criteria provided, single submitter. Criteria: ACMG Guidelines, 2015. Collection method: clinical testing. Allele origin: germline. Affected: yes.
Comment: The variant NM_000322.4:c.646C>T in the PRPH2 gene has been previously studied(PMIDs 8058286, 7754251, 28559085). This variant is listed in dbSNP and/or HGMD (rs61755805,CM941212). It is absent in gnomAD browser. It is not enriched in the PRPH2 disease cohort. We invoked ACMG criteria [PP1-M, PM1, PM2, PM5, PP3] and classified NM_000322.4:c.646C>T in the PRPH2 gene as a Likely Pathogenic mutation.

Institute of Human Genetics, Univ. Regensburg, Univ. Regensburg
Classification: Pathogenic for Retinal dystrophy. Last evaluated: 2018-01-01. Review status: criteria provided, single submitter. Criteria: ACMG Guidelines, 2015. Collection method: clinical testing. Allele origin: germline. Affected: yes.

Leiden Open Variation Database
Classification: Likely pathogenic. Last evaluated: 2021-05-21. Review status: no assertion criteria provided. Collection method: curation. Allele origin: germline. Affected: yes. Not counted in ClinVar's aggregate classification.
Comment: Curator: Global Variome, with Curator vacancy. Submitters to LOVD: Julia Lopez, LOVD, Manon Peeters.

Department of Clinical Genetics, Copenhagen University Hospital, Rigshospitalet
Classification: Uncertain significance for Retinitis pigmentosa. Last evaluated: 2018-04-01. Review status: no assertion criteria provided. Collection method: research. Allele origin: unknown. Affected: yes. Study: VeluxRD. Not counted in ClinVar's aggregate classification.

Clinical Genetics, Academic Medical Center
Classification: Pathogenic. Review status: no assertion criteria provided. Collection method: clinical testing. Allele origin: germline. Affected: yes. Study: VKGL Data-share Consensus. Not counted in ClinVar's aggregate classification.

Joint Genome Diagnostic Labs from Nijmegen and Maastricht, Radboudumc and MUMC+
Classification: Likely pathogenic. Review status: no assertion criteria provided. Collection method: clinical testing. Allele origin: germline. Affected: yes. Study: VKGL Data-share Consensus. Not counted in ClinVar's aggregate classification.

Retina International
No classification provided. Review status: no classification provided. Collection method: not provided. Allele origin: not provided. Not counted in ClinVar's aggregate classification.

Literature cited by the submitters: PubMed 7754251 (cited by 3 submitters); PubMed 8058286 (cited by 4 submitters); PubMed 28559085 (cited by 3 submitters); PubMed 1684223 (cited by Labcorp Genetics (formerly Invitae), Labcorp and 3billion); PubMed 12925772 (cited by Labcorp Genetics (formerly Invitae), Labcorp); PubMed 28076437 (cited by Labcorp Genetics (formerly Invitae), Labcorp); PubMed 32037395 (cited by Institute of Human Genetics, Univ. Regensburg, Univ. Regensburg); PubMed 34411390 (cited by Institute of Human Genetics, Univ. Regensburg, Univ. Regensburg); PubMed 36460718 (cited by Institute of Human Genetics, Univ. Regensburg, Univ. Regensburg); PubMed 36819107 (cited by Institute of Human Genetics, Univ. Regensburg, Univ. Regensburg); PubMed 9361310 (cited by Leiden Open Variation Database); PubMed 11139241 (cited by Leiden Open Variation Database); PubMed 16799052 (cited by Leiden Open Variation Database); PubMed 23950152 (cited by Leiden Open Variation Database); PubMed 25447119 (cited by Leiden Open Variation Database); PubMed 25494902 (cited by Leiden Open Variation Database); PubMed 29847639 (cited by Leiden Open Variation Database); PubMed 32531846 (cited by Leiden Open Variation Database); PubMed 32660024 (cited by Leiden Open Variation Database); PubMed 30718709 (cited by Department of Clinical Genetics, Copenhagen University Hospital, Rigshospitalet).